The following is an entry in ClinVar:

ClinVar aggregate classification (germline): Likely benign (1 of 4 stars; one submission).

Conditions:
LEP-related disorder. Also called: LEP-related condition.

gnomAD v4.1: 9 of 1,614,208 alleles (0.00056%); highest among the groups gnomAD compares: African/African-American, 0.011%; 1 homozygote.

Submission:

PreventionGenetics, part of Exact Sciences
Classification: Likely benign for LEP-related condition. Last evaluated: 2025-09-30. Review status: criteria provided, single submitter. Criteria: ACMG Guidelines, 2015. Collection method: clinical testing. Allele origin: germline.
Comment: This variant is classified as likely benign based on ACMG/AMP sequence variant interpretation guidelines (Richards et al. 2015 PMID: 25741868, with internal and published modifications).

NM_000230.3(LEP):c.36T>C (p.Leu12=)

Gene: LEP (leptin; plus strand). Cytogenetic location: 7q32.1.
Variant type: single nucleotide variant.
Coding change: c.36T>C on transcript NM_000230.3 (MANE Select); coding-DNA position 36, T replaced by C.
Protein change: p.Leu12=; no amino-acid change (leucine 12 retained).
Molecular consequence: synonymous variant.
Genome position (GRCh38, 1-based): chr7:128,252,054, T>C. VCF-style: chr7-128252054-T-C. GRCh37 (hg19) VCF-style: chr7-127892107-T-C.
Identifiers: ClinVar variation 4979979 (VCV004979979.1).